The following is an entry in ClinVar:

ClinVar aggregate classification (germline): Uncertain significance (1 of 4 stars; one submission).

Conditions:
Cardiovascular phenotype. Identifiers: MedGen CN230736.

Submission:

Ambry Genetics
Classification: Uncertain significance for Cardiovascular phenotype. Last evaluated: 2026-08-24. Review status: criteria provided, single submitter. Criteria: Ambry Variant Classification Scheme 2023. Collection method: clinical testing. Allele origin: germline.
Comment: The p.E853D variant (also known as c.2559G>C), located in coding exon 21 of the ABCC9 gene, results from a G to C substitution at nucleotide position 2559. The glutamic acid at codon 853 is replaced by aspartic acid, an amino acid with highly similar properties. This amino acid position is conserved. In addition, the in silico prediction for this alteration is inconclusive. Based on the available evidence, the clinical significance of this variant remains unclear.

NM_020297.4(ABCC9):c.2559G>C (p.Glu853Asp)

Gene: ABCC9 (ATP binding cassette subfamily C member 9; minus strand). Cytogenetic location: 12p12.1.
Variant type: single nucleotide variant.
Coding change: c.2559G>C on transcript NM_020297.4 (MANE Select); coding-DNA position 2559, G replaced by C.
Protein change: p.Glu853Asp; replaces glutamic acid 853 with aspartic acid.
Molecular consequence: missense variant.
Genome position (GRCh38, 1-based): chr12:21,852,452, C>G on the plus strand (G>C on the coding strand, the complement: ABCC9 is on the minus strand). VCF-style: chr12-21852452-C-G. GRCh37 (hg19) VCF-style: chr12-22005386-C-G.
Other names: c.2559G>C, p.Glu853Asp (NM_001377273.1, NM_005691.4); c.1692G>C, p.Glu564Asp (NM_001377274.1); short protein forms E564D, E853D.
Identifiers: ClinVar variation 5024882 (VCV005024882.1).